The following is an entry in ClinVar:

NM_001127255.2(NLRP7):c.1187G>A (p.Arg396His)

Gene: NLRP7 (NLR family pyrin domain containing 7; minus strand). Cytogenetic location: 19q13.42.
Variant type: single nucleotide variant.
Coding change: c.1187G>A on transcript NM_001127255.2 (MANE Select); coding-DNA position 1187, G replaced by A.
Protein change: p.Arg396His; replaces arginine 396 with histidine.
Molecular consequence: missense variant.
Genome position (GRCh38, 1-based): chr19:54,939,632, C>T on the plus strand (G>A on the coding strand, the complement: NLRP7 is on the minus strand). VCF-style: chr19-54939632-C-T. GRCh37 (hg19) VCF-style: chr19-55451000-C-T.
Other names: c.1187G>A, p.Arg396His (NM_001405531.1, NM_139176.4, NM_206828.4); short protein forms R396H.
Identifiers: ClinVar variation 894286 (VCV000894286.6), dbSNP rs375095148, ClinGen allele CA310018333.

ClinVar aggregate classification (germline): Uncertain significance (1 of 4 stars; one submission).

Conditions:
Hydatidiform mole, recurrent, 1 (HYDM1). Identifiers: Orphanet 254688, Orphanet 99927, MedGen C3463897, MONDO:0009273, OMIM 231090. Disease mechanism: loss of function.

Allele frequency attached by ClinVar (database versions not stated): ExAC 0.00001; gnomAD 0.00001; gnomAD exomes 0.00001; TOPMed 0.00002.
gnomAD v4.1: 12 of 1,610,950 alleles (0.00074%); highest among the groups gnomAD compares: Non-Finnish European, 0.001%; no homozygotes.

Submission:

Illumina Laboratory Services, Illumina
Classification: Uncertain significance for Hydatidiform mole, recurrent, 1. Last evaluated: 2017-04-27. Review status: criteria provided, single submitter. Criteria: ICSL Variant Classification Criteria 13 December 2019. Collection method: clinical testing. Allele origin: germline.
Comment: This variant was observed as part of a predisposition screen in an ostensibly healthy population. A literature search was performed for the gene, cDNA change, and amino acid change (where applicable). Publications were found based on this search. However, the evidence from the literature, in combination with allele frequency data from public databases where available, was not sufficient to rule this variant in or out of causing disease. Therefore, this variant is classified as a variant of unknown significance.

Literature cited by the submitters: PubMed 26121690.